The following is an entry in ClinVar:

ClinVar aggregate classification (germline): Pathogenic (1 of 4 stars; one submission).

Conditions:
Retinoblastoma (RB1). Also called: RETINOBLASTOMA, SOMATIC. Identifiers: Orphanet 790, MedGen C0035335, MeSH D012175, MONDO:0008380, OMIM 180200, HP:0009919. Disease mechanism: loss of function. Inheritance: Both sporadic and heritable forms are tested..

Submission:

Labcorp Genetics (formerly Invitae), Labcorp
Classification: Pathogenic for Retinoblastoma. Last evaluated: 2021-05-25. Review status: criteria provided, single submitter. Criteria: Invitae Variant Classification Sherloc (09022015). Collection method: clinical testing. Allele origin: germline.
Comment: This variant is not present in population databases (ExAC no frequency). This variant results in the deletion of part of exon 16 (c.1493_1498+86del) of the RB1 gene. It is expected to disrupt RNA splicing. Variants that disrupt the donor or acceptor splice site typically lead to a loss of protein function (PMID: 16199547), and loss-of-function variants in RB1 are known to be pathogenic (PMID: 17096365). For these reasons, this variant has been classified as Pathogenic. Algorithms developed to predict the effect of sequence changes on RNA splicing suggest that this variant may disrupt the consensus splice site, but this prediction has not been confirmed by published transcriptional studies. This variant has been observed in individual(s) with bilateral retinoblastoma (Invitae).

Literature cited by the submitters: PubMed 16199547; PubMed 17096365.

NM_000321.3(RB1):c.1493_1498+86del

Gene: RB1 (RB transcriptional corepressor 1; plus strand). Cytogenetic location: 13q14.2.
Variant type: Deletion.
Coding change: c.1493_1498+86del on transcript NM_000321.3 (MANE Select); coding-DNA position 1493 through 86 bases into the intron after coding-DNA position 1498, 92 bases deleted.
Molecular consequence: splice donor variant.
Genome position (GRCh38, 1-based): chr13:48,380,236-48,380,327, 92 bases deleted. GRCh37 (hg19): chr13:48,954,372-48,954,463.
Identifiers: ClinVar variation 1359553 (VCV001359553.6), dbSNP rs2138143170, ClinGen allele CA2573149610.